The following is an entry in ClinVar:

NM_004100.5(EYA4):c.1739-48C>T

Genes: EYA4 (EYA transcriptional coactivator and phosphatase 4; plus strand), TARID (TCF21 antisense RNA inducing promoter demethylation; minus strand). Cytogenetic location: 6q23.2.
Variant type: single nucleotide variant.
Coding change: c.1739-48C>T on transcript NM_004100.5 (MANE Select); 48 bases into the intron before coding-DNA position 1739, C replaced by T.
Molecular consequence: intron variant. On other transcripts: synonymous variant (3).
Genome position (GRCh38, 1-based): chr6:133,525,106, C>T. VCF-style: chr6-133525106-C-T. GRCh37 (hg19) VCF-style: chr6-133846244-C-T.
Other names: c.1668C>T, p.Ala556= (NM_001301012.2); c.1761C>T, p.Ala587= (NM_001370458.1); c.1830C>T, p.Ala610= (NM_172105.4); c.1757-48C>T (NM_001301013.2); c.1670-48C>T (NM_172103.4); c.1595-48C>T (NM_001370459.1).
Identifiers: ClinVar variation 1120138 (VCV001120138.18), dbSNP rs148180981, ClinGen allele CA4008473.
Genomic context (GRCh38, chr6:133,525,106, plus strand): 5'-CAGATTTGGCACTAACATAACTTATGTTGTGATTGGAGATGGCCGAGATGAGGAGCATGC[C>T]GCTAACCAGGTAACTTCACTCTGAACTTTATCTCATTTATCTTCCAGGAAAAGAAAGTTG-3'

ClinVar aggregate classification (germline): Likely benign. Review status: criteria provided, multiple submitters, no conflicts (2 of 4 stars). 3 submissions from 3 submitters: Likely benign (3). Last evaluated 2025-05-01.

Allele frequency attached by ClinVar (database versions not stated): ExAC 0.00005; gnomAD exomes 0.00007 and 0.00011; gnomAD 0.00015 and 0.00016; TOPMed 0.00016.
gnomAD v4.1: 176 of 1,613,388 alleles (0.011%); highest among the groups gnomAD compares: African/African-American, 0.027%; no homozygotes.

Submissions (3):

CeGaT Center for Human Genetics Tuebingen
Classification: Likely benign. Last evaluated: 2025-05-01. Review status: criteria provided, single submitter. Criteria: CeGaT Center For Human Genetics Tuebingen Variant Classification Criteria Version 2. Collection method: clinical testing. Allele origin: germline. Affected: yes. Observed: 2 variant alleles.
Comment: EYA4: BP4, BP7

Blueprint Genetics
Classification: Likely benign. Last evaluated: 2024-11-05. Review status: criteria provided, single submitter. Criteria: ACMG Guidelines, 2015. Collection method: clinical testing. Allele origin: germline.

Laboratory for Molecular Medicine, Mass General Brigham Personalized Medicine
Classification: Likely benign. Last evaluated: 2017-08-23. Review status: criteria provided, single submitter. Criteria: LMM Criteria. Collection method: clinical testing. Allele origin: germline. Observed: 1 variant allele.
Comment: p.Ala610Ala in exon 18 of EYA4: This variant is not expected to have clinical significance because it does not alter an amino acid residue and is not located within the splice consensus sequence. It has been identified in 0.01% (4/66644) of European chromosomes by the Exome Aggregation Consortium (ExAC; dbSNP rs148180981).